The following is an entry in ClinVar:

ClinVar aggregate classification (germline): Pathogenic (1 of 4 stars; one submission).

Conditions:
Interstitial lung disease due to ABCA3 deficiency. Also called: PULMONARY ALVEOLAR PROTEINOSIS, CONGENITAL, 3. Identifiers: Orphanet 440402, MedGen C1970456, MONDO:0012582, OMIM 610921.

Submission:

Excellence Center for Genomics and Precision Medicine, King Chulalongkorn Memorial Hospital
Classification: Pathogenic for Interstitial lung disease due to ABCA3 deficiency. Last evaluated: 2024-10-01. Review status: criteria provided, single submitter. Criteria: ACMG/ClinGen CNV Guidelines, 2019. Collection method: clinical testing. Allele origin: germline. Inheritance: Autosomal recessive inheritance. Affected: yes. Observed: 1 compound heterozygote.
Comment: 1A (0 points): Contains protein-coding or other known functionally important elements 2E (PVS1 0.9 points): Both breakpoints are within the same gene (intragenic CNV; gene-level sequence variant) 3A (0 points): Number of protein-coding RefSeq genes wholly or partially included in the copy number loss is 0 - 24 genes 5G (0.1 points): Inheritance information is unavailable or uninformative. The patient phenotype is non-specific, but is consistent with what has been described in similar cases.

NM_001089.3(ABCA3):c.1467+1903_1612-126del

Gene: ABCA3 (ATP binding cassette subfamily A member 3; minus strand). Cytogenetic location: 16p13.3.
Variant type: Deletion.
Coding change: c.1467+1903_1612-126del on transcript NM_001089.3 (MANE Select); 1903 bases into the intron after coding-DNA position 1467 through 126 bases into the intron before coding-DNA position 1612, 2,409 bases deleted.
Molecular consequence: splice acceptor variant, splice donor variant.
Genome position (GRCh38, 1-based): chr16:2,299,658-2,302,066, 2,409 bases deleted. GRCh37 (hg19): chr16:2,349,659-2,352,067.
Identifiers: ClinVar variation 3384191 (VCV003384191.2).